The following is an entry in ClinVar:

ClinVar aggregate classification (germline): Benign. Review status: criteria provided, multiple submitters, no conflicts (2 of 4 stars). 2 submissions from 2 submitters: Benign (2). Last evaluated 2026-02-04.

Submissions (2):

Labcorp Genetics (formerly Invitae), Labcorp
Classification: Benign. Last evaluated: 2026-02-04. Review status: criteria provided, single submitter. Criteria: Invitae Variant Classification Sherloc (09022015). Collection method: clinical testing. Allele origin: germline.

Unidad de Genómica Garrahan, Hospital de Pediatría Garrahan
Classification: Benign. Last evaluated: 2024-01-24. Review status: criteria provided, single submitter. Criteria: ACMG Guidelines, 2015. Collection method: clinical testing. Allele origin: germline. Affected: no. Observed: 45 variant alleles.
Comment: This variant is classified as Benign based on local population frequency. This variant was detected in 51% of patients studied by a panel of primary immunodeficiencies. Number of patients: 45. Only high quality variants are reported.

NM_001253697.2(ERBIN):c.4131+27dup

Gene: ERBIN (erbb2 interacting protein; plus strand). Cytogenetic location: 5q12.3.
Variant type: Duplication.
Coding change: c.4131+27dup on transcript NM_001253697.2 (MANE Select); 27 bases into the intron after coding-DNA position 4131, one base duplicated (T; older notation c.4131+27dupT).
Molecular consequence: intron variant.
Genome position (GRCh38, 1-based): chr5:66,076,976, T duplicated; the last of 11 consecutive T bases (chr5:66,076,966-66,076,976); duplicating any one gives the same sequence. VCF-style (leftmost placement, unchanged base first): chr5-66076965-C-CT. GRCh37 (hg19) VCF-style: chr5-65372793-C-CT.
Other names: c.4152+27dup (NM_001253699.2); c.4008+27dup (NM_018695.4); c.3933+568dup (NM_001253698.2); c.3801+27dup (NM_001006600.3); c.3996+27dup (NM_001253701.2).
Identifiers: ClinVar variation 1170217 (VCV001170217.12), dbSNP rs397883288, ClinGen allele CA3286813.